The following is an entry in ClinVar:

ClinVar aggregate classification (germline): Uncertain significance (1 of 4 stars; one submission).

Submission:

Labcorp Genetics (formerly Invitae), Labcorp
Classification: Uncertain significance. Last evaluated: 2022-10-13. Review status: criteria provided, single submitter. Criteria: Invitae Variant Classification Sherloc (09022015). Collection method: clinical testing. Allele origin: germline.
Comment: This sequence change falls in intron 2 of the KIF11 gene. It does not directly change the encoded amino acid sequence of the KIF11 protein. It affects a nucleotide within the consensus splice site. This variant is not present in population databases (gnomAD no frequency). This variant has not been reported in the literature in individuals affected with KIF11-related conditions. ClinVar contains an entry for this variant (Variation ID: 1522066). Variants that disrupt the consensus splice site are a relatively common cause of aberrant splicing (PMID: 17576681, 9536098). Algorithms developed to predict the effect of sequence changes on RNA splicing suggest that this variant is not likely to affect RNA splicing. In summary, the available evidence is currently insufficient to determine the role of this variant in disease. Therefore, it has been classified as a Variant of Uncertain Significance.

Literature cited by the submitters: PubMed 17576681; PubMed 9536098.

NM_004523.4(KIF11):c.210+4A>G

Gene: KIF11 (kinesin family member 11; plus strand). Cytogenetic location: 10q23.33.
Variant type: single nucleotide variant.
Coding change: c.210+4A>G on transcript NM_004523.4 (MANE Select); 4 bases into the intron after coding-DNA position 210, A replaced by G.
Molecular consequence: intron variant.
Genome position (GRCh38, 1-based): chr10:92,606,401, A>G. VCF-style: chr10-92606401-A-G. GRCh37 (hg19) VCF-style: chr10-94366158-A-G.
Identifiers: ClinVar variation 1522066 (VCV001522066.6), dbSNP rs2135900594, ClinGen allele CA2573145819.